The following is an entry in ClinVar:

NM_001673.5(ASNS):c.1191_1192insGG (p.Tyr398fs)

Genes: ASNS (asparagine synthetase (glutamine-hydrolyzing); minus strand), CZ1P-ASNS (CZ1P-ASNS readthrough; minus strand). Cytogenetic location: 7q21.3.
Variant type: Insertion.
Coding change: c.1191_1192insGG on transcript NM_001673.5 (MANE Select); coding-DNA positions 1191 to 1192, GG inserted.
Protein change: p.Tyr398fs; shifts the reading frame from tyrosine 398.
Molecular consequence: frameshift variant. On other transcripts: non-coding transcript variant (1).
Genome position: GRCh38 VCF-style: chr7-97854626-A-ACC. GRCh37 (hg19) VCF-style: chr7-97483938-A-ACC.
Other names: c.1128_1129insGG, p.Tyr377fs (NM_001178075.2); c.942_943insGG, p.Tyr315fs (NM_001178076.2, NM_001178077.1); c.1191_1192insGG, p.Tyr398fs (NM_001352496.2, NM_133436.3, NM_183356.4); short protein forms Y398fs, Y315fs, Y377fs.
Identifiers: ClinVar variation 2008550 (VCV002008550.4), dbSNP rs2484636748, ClinGen allele CA2580077932.

ClinVar aggregate classification (germline): Pathogenic (1 of 4 stars; one submission).

Submission:

Labcorp Genetics (formerly Invitae), Labcorp
Classification: Pathogenic. Last evaluated: 2022-06-19. Review status: criteria provided, single submitter. Criteria: Invitae Variant Classification Sherloc (09022015). Collection method: clinical testing. Allele origin: germline.
Comment: For these reasons, this variant has been classified as Pathogenic. Algorithms developed to predict the effect of sequence changes on RNA splicing suggest that this variant may create or strengthen a splice site. This variant has not been reported in the literature in individuals affected with ASNS-related conditions. This variant is not present in population databases (gnomAD no frequency). This sequence change creates a premature translational stop signal (p.Tyr398Glyfs*20) in the ASNS gene. It is expected to result in an absent or disrupted protein product. Loss-of-function variants in ASNS are known to be pathogenic (PMID: 27422383, 30057589).

Literature cited by the submitters: PubMed 27422383; PubMed 30057589.